The following is an entry in ClinVar:

ClinVar aggregate classification (germline): Uncertain significance (1 of 4 stars; one submission).

Allele frequency attached by ClinVar (database versions not stated): gnomAD exomes below 0.00001.
gnomAD v4.1: 1 of 1,552,158 alleles (0.000064%); highest among the groups gnomAD compares: East Asian, 0.0024%; no homozygotes.

Submission:

Labcorp Genetics (formerly Invitae), Labcorp
Classification: Uncertain significance. Last evaluated: 2022-07-11. Review status: criteria provided, single submitter. Criteria: Invitae Variant Classification Sherloc (09022015). Collection method: clinical testing. Allele origin: germline.
Comment: In summary, the available evidence is currently insufficient to determine the role of this variant in disease. Therefore, it has been classified as a Variant of Uncertain Significance. Algorithms developed to predict the effect of missense changes on protein structure and function output the following: SIFT: "Not Available"; PolyPhen-2: "Benign"; Align-GVGD: "Not Available". The lysine amino acid residue is found in multiple mammalian species, which suggests that this missense change does not adversely affect protein function. This variant has not been reported in the literature in individuals affected with UNC80-related conditions. This variant is present in population databases (no rsID available, gnomAD 0.01%). This sequence change replaces glutamic acid, which is acidic and polar, with lysine, which is basic and polar, at codon 3182 of the UNC80 protein (p.Glu3182Lys).

NM_001371986.1(UNC80):c.9742G>A (p.Glu3248Lys)

Gene: UNC80 (unc-80 subunit of NALCN channel complex; plus strand). Cytogenetic location: 2q34.
Variant type: single nucleotide variant.
Coding change: c.9742G>A on transcript NM_001371986.1 (MANE Select); coding-DNA position 9742, G replaced by A.
Protein change: p.Glu3248Lys; replaces glutamic acid 3248 with lysine.
Molecular consequence: missense variant.
Genome position (GRCh38, 1-based): chr2:209,995,362, G>A. VCF-style: chr2-209995362-G-A. GRCh37 (hg19) VCF-style: chr2-210860086-G-A.
Other names: c.9472G>A, p.Glu3158Lys (NM_182587.4); c.9544G>A, p.Glu3182Lys (NM_032504.2); short protein forms E3158K, E3182K, E3248K.
Identifiers: ClinVar variation 2015923 (VCV002015923.4), dbSNP rs1400301227, ClinGen allele CA350416200.